The following is an entry in ClinVar:

ClinVar aggregate classification (germline): Uncertain significance (1 of 4 stars; one submission).

Conditions:
Multiple congenital anomalies-hypotonia-seizures syndrome 1 (MCAHS1). Also called: GLYCOSYLPHOSPHATIDYLINOSITOL BIOSYNTHESIS DEFECT 3; PIGN-CDG; Congenital disorder of glycosylation due to PIGN deficiency. Identifiers: Orphanet 280633, MedGen C3279775, MONDO:0013563, OMIM 614080.

Allele frequency attached by ClinVar (database versions not stated): gnomAD exomes below 0.00001; TOPMed 0.00001.
gnomAD v4.1: 1 of 1,609,340 alleles (0.000062%); highest among the groups gnomAD compares: African/African-American, 0.0013%; no homozygotes.

Submission:

Labcorp Genetics (formerly Invitae), Labcorp
Classification: Uncertain significance for Multiple congenital anomalies-hypotonia-seizures syndrome 1. Last evaluated: 2022-02-23. Review status: criteria provided, single submitter. Criteria: Invitae Variant Classification Sherloc (09022015). Collection method: clinical testing. Allele origin: germline.
Comment: This sequence change replaces leucine, which is neutral and non-polar, with valine, which is neutral and non-polar, at codon 751 of the PIGN protein (p.Leu751Val). This variant is present in population databases (no rsID available, gnomAD 0.006%). This variant has not been reported in the literature in individuals affected with PIGN-related conditions. Algorithms developed to predict the effect of missense changes on protein structure and function are either unavailable or do not agree on the potential impact of this missense change (SIFT: "Not Available"; PolyPhen-2: "Benign"; Align-GVGD: "Not Available"). In summary, the available evidence is currently insufficient to determine the role of this variant in disease. Therefore, it has been classified as a Variant of Uncertain Significance.

NM_176787.5(PIGN):c.2251C>G (p.Leu751Val)

Gene: PIGN (phosphatidylinositol glycan anchor biosynthesis class N; minus strand). Cytogenetic location: 18q21.33.
Variant type: single nucleotide variant.
Coding change: c.2251C>G on transcript NM_176787.5 (MANE Select); coding-DNA position 2251, C replaced by G.
Protein change: p.Leu751Val; replaces leucine 751 with valine.
Molecular consequence: missense variant.
Genome position (GRCh38, 1-based): chr18:62,090,508, G>C on the plus strand (C>G on the coding strand, the complement: PIGN is on the minus strand). VCF-style: chr18-62090508-G-C. GRCh37 (hg19) VCF-style: chr18-59757741-G-C.
Other names: c.2251C>G, p.Leu751Val (NM_012327.6); short protein forms L751V.
Identifiers: ClinVar variation 1972778 (VCV001972778.5), dbSNP rs1353658675, ClinGen allele CA402602427.